The following is an entry in ClinVar:

NM_015450.3(POT1):c.1810G>A (p.Glu604Lys)

Gene: POT1 (protection of telomeres 1; minus strand). Cytogenetic location: 7q31.33.
Variant type: single nucleotide variant.
Coding change: c.1810G>A on transcript NM_015450.3 (MANE Select); coding-DNA position 1810, G replaced by A.
Protein change: p.Glu604Lys; replaces glutamic acid 604 with lysine.
Molecular consequence: missense variant. On other transcripts: non-coding transcript variant (3).
Genome position (GRCh38, 1-based): chr7:124,824,057, C>T on the plus strand (G>A on the coding strand, the complement: POT1 is on the minus strand). VCF-style: chr7-124824057-C-T. GRCh37 (hg19) VCF-style: chr7-124464111-C-T.
Other names: c.1417G>A, p.Glu473Lys (NM_001042594.2); short protein forms E604K, E473K.
Identifiers: ClinVar variation 449494 (VCV000449494.23), dbSNP rs753762757, ClinGen allele CA4464962.

ClinVar aggregate classification (germline): Uncertain significance. Review status: criteria provided, multiple submitters, no conflicts (2 of 4 stars). 5 submissions from 5 submitters: Uncertain significance (5). Last evaluated 2026-01-21.

Conditions:
Hereditary cancer-predisposing syndrome. Also called: Neoplastic Syndromes, Hereditary; Tumor predisposition; Hereditary neoplastic syndrome; Hereditary Cancer Syndrome. Identifiers: Orphanet 140162, MedGen C0027672, MeSH D009386, MONDO:0015356.
Tumor predisposition syndrome 3 (TPDS3). Also called: Glioma susceptibility 9; LONG TELOMERE SYNDROME, POT1-RELATED; POT1 Tumor Predisposition; Melanoma, cutaneous malignant, susceptibility to, 10. Identifiers: Orphanet 618, MedGen C4014476, MONDO:0014368, OMIM 615848.

Allele frequency attached by ClinVar (database versions not stated): gnomAD 0.00002 and 0.00003; gnomAD exomes 0.00002; TOPMed 0.00003; ExAC 0.00005.
gnomAD v4.1: 15 of 1,600,874 alleles (0.00094%); highest among the groups gnomAD compares: Non-Finnish European, 0.0013%; no homozygotes.

Submissions (5):

Labcorp Genetics (formerly Invitae), Labcorp
Classification: Uncertain significance for Tumor predisposition syndrome 3. Last evaluated: 2026-01-21. Review status: criteria provided, single submitter. Criteria: Invitae Variant Classification Sherloc (09022015). Collection method: clinical testing. Allele origin: germline.
Comment: This sequence change replaces glutamic acid, which is acidic and polar, with lysine, which is basic and polar, at codon 604 of the POT1 protein (p.Glu604Lys). This variant is present in population databases (rs753762757, gnomAD 0.005%). This variant has not been reported in the literature in individuals affected with POT1-related conditions. ClinVar contains an entry for this variant (Variation ID: 449494). Invitae Evidence Modeling of protein sequence and biophysical properties (such as structural, functional, and spatial information, amino acid conservation, physicochemical variation, residue mobility, and thermodynamic stability) indicates that this missense variant is not expected to disrupt POT1 protein function with a negative predictive value of 80%. In summary, the available evidence is currently insufficient to determine the role of this variant in disease. Therefore, it has been classified as a Variant of Uncertain Significance.

Center for Genomic Medicine, Rigshospitalet, Copenhagen University Hospital
Classification: Uncertain significance. Last evaluated: 2025-03-04. Review status: criteria provided, single submitter. Criteria: ACMG Guidelines, 2015. Collection method: clinical testing. Allele origin: germline.

Ambry Genetics
Classification: Uncertain significance for Hereditary cancer-predisposing syndrome. Last evaluated: 2024-10-13. Review status: criteria provided, single submitter. Criteria: Ambry Variant Classification Scheme 2023. Collection method: clinical testing. Allele origin: germline.
Comment: The p.E604K variant (also known as c.1810G>A), located in coding exon 15 of the POT1 gene, results from a G to A substitution at nucleotide position 1810. The glutamic acid at codon 604 is replaced by lysine, an amino acid with similar properties. This amino acid position is highly conserved in available vertebrate species. In addition, this alteration is predicted to be deleterious by in silico analysis. Since supporting evidence is limited at this time, the clinical significance of this alteration remains unclear.

GeneDx
Classification: Uncertain significance. Last evaluated: 2023-12-28. Review status: criteria provided, single submitter. Criteria: GeneDx Variant Classification Process June 2021. Collection method: clinical testing. Allele origin: germline. Affected: yes.
Comment: Not observed at significant frequency in large population cohorts (gnomAD); In silico analysis supports that this missense variant does not alter protein structure/function; Has not been previously published as pathogenic or benign to our knowledge; This variant is associated with the following publications: (PMID: 28393830)

St. Jude Molecular Pathology, St. Jude Children's Research Hospital
Classification: Uncertain significance for Tumor predisposition syndrome 3. Last evaluated: 2023-10-25. Review status: criteria provided, single submitter. Criteria: St. Jude Assertion Criteria 2020. Collection method: clinical testing. Allele origin: germline.
Comment: The POT1 c.1810G>A (p.Glu604Lys) missense change has a maximum subpopulation frequency of 0.0045% in gnomAD v2.1.1. The in silico tool REVEL predicts a benign effect on protein function, but to our knowledge this prediction has not been confirmed by functional studies. This variant has been reported in individuals with melanoma (PMID: 36539277). In summary, the evidence currently available is insufficient to determine the clinical significance of this variant. It has therefore been classified as of uncertain significance.